The following is an entry in ClinVar:

ClinVar aggregate classification (germline): Benign. Review status: criteria provided, multiple submitters, no conflicts (2 of 4 stars). 7 submissions from 7 submitters: Benign (4). 3 of the submissions do not count toward it. Last evaluated 2026-01-29.

Conditions:
Hypoparathyroidism-retardation-dysmorphism syndrome (HRDS). Also called: SANJAD-SAKATI SYNDROME. Identifiers: Orphanet 2323, MedGen C1855840, MONDO:0009426, OMIM 241410.

Allele frequency attached by ClinVar (database versions not stated): gnomAD exomes 0.00222 and 0.00607; ExAC 0.00733; 1000 Genomes Project 30x 0.02124; 1000 Genomes Project 0.02177; gnomAD 0.02258 and 0.02446; TOPMed 0.02483; ESP Exome Variant Server 0.02776.
gnomAD v4.1: 6,813 of 1,614,132 alleles (0.42%); highest among the groups gnomAD compares: African/African-American, 7.7%; 244 homozygotes.

Submissions (7):

Labcorp Genetics (formerly Invitae), Labcorp
Classification: Benign. Last evaluated: 2026-01-29. Review status: criteria provided, single submitter. Criteria: Invitae Variant Classification Sherloc (09022015). Collection method: clinical testing. Allele origin: germline.

GeneDx
Classification: Benign. Last evaluated: 2018-07-05. Review status: criteria provided, single submitter. Criteria: GeneDx Variant Classification Process June 2021. Collection method: clinical testing. Allele origin: germline. Affected: yes.

Illumina Laboratory Services, Illumina
Classification: Benign for Hypoparathyroidism-retardation-dysmorphism syndrome. Last evaluated: 2018-01-13. Review status: criteria provided, single submitter. Criteria: ICSL Variant Classification Criteria 13 December 2019. Collection method: clinical testing. Allele origin: germline.
Comment: This variant was observed in the ICSL laboratory as part of a predisposition screen in an ostensibly healthy population. It had not been previously curated by ICSL or reported in the Human Gene Mutation Database (HGMD: prior to June 1st, 2018), and was therefore a candidate for classification through an automated scoring system. Utilizing variant allele frequency, disease prevalence and penetrance estimates, and inheritance mode, an automated score was calculated to assess if this variant is too frequent to cause the disease. Based on the score and internal cut-off values, a variant classified as benign is not then subjected to further curation. The score for this variant resulted in a classification of benign for this disease.

Breakthrough Genomics
Classification: Benign. Review status: criteria provided, single submitter. Criteria: ACMG Guidelines, 2015. Collection method: not provided. Allele origin: germline. Inheritance: Autosomal recessive inheritance. Affected: yes.

Clinical Genetics, Academic Medical Center
Classification: Benign. Review status: no assertion criteria provided. Collection method: clinical testing. Allele origin: germline. Affected: yes. Study: VKGL Data-share Consensus. Not counted in ClinVar's aggregate classification.

Genome Diagnostics Laboratory, University Medical Center Utrecht
Classification: Benign. Review status: no assertion criteria provided. Collection method: clinical testing. Allele origin: germline. Affected: yes. Study: VKGL Data-share Consensus. Not counted in ClinVar's aggregate classification.

Laboratory of Diagnostic Genome Analysis, Leiden University Medical Center (LUMC)
Classification: Likely benign. Review status: no assertion criteria provided. Collection method: clinical testing. Allele origin: germline. Affected: yes. Study: VKGL Data-share Consensus. Not counted in ClinVar's aggregate classification.

NM_003193.5(TBCE):c.1226A>G (p.Glu409Gly)

Gene: TBCE (tubulin folding cofactor E; plus strand). Cytogenetic location: 1q42.3.
Variant type: single nucleotide variant.
Coding change: c.1226A>G on transcript NM_003193.5 (MANE Select); coding-DNA position 1226, A replaced by G.
Protein change: p.Glu409Gly; replaces glutamic acid 409 with glycine.
Molecular consequence: missense variant.
Genome position (GRCh38, 1-based): chr1:235,438,878, A>G. VCF-style: chr1-235438878-A-G. GRCh37 (hg19) VCF-style: chr1-235602193-A-G.
Other names: c.1226A>G, p.Glu409Gly (NM_001079515.3); c.1379A>G, p.Glu460Gly (NM_001287801.2); c.887A>G, p.Glu296Gly (NM_001287802.2); short protein forms E409G, E296G, E460G.
Identifiers: ClinVar variation 296307 (VCV000296307.19), dbSNP rs16832619, ClinGen allele CA1464384.